The following is an entry in ClinVar:

ClinVar aggregate classification (germline): Uncertain significance (1 of 4 stars; one submission).

Submission:

GeneDx
Classification: Uncertain significance. Last evaluated: 2024-04-19. Review status: criteria provided, single submitter. Criteria: GeneDx Variant Classification Process June 2021. Collection method: clinical testing. Allele origin: germline. Affected: yes.
Comment: In silico analysis indicates that this missense variant does not alter protein structure/function; Has not been previously published as pathogenic or benign to our knowledge

NM_170606.3(KMT2C):c.2149A>T (p.Ile717Leu)

Gene: KMT2C (lysine methyltransferase 2C; minus strand). Cytogenetic location: 7q36.1.
Variant type: single nucleotide variant.
Coding change: c.2149A>T on transcript NM_170606.3 (MANE Select); coding-DNA position 2149, A replaced by T.
Protein change: p.Ile717Leu; replaces isoleucine 717 with leucine.
Molecular consequence: missense variant.
Genome position (GRCh38, 1-based): chr7:152,248,285, T>A on the plus strand (A>T on the coding strand, the complement: KMT2C is on the minus strand). VCF-style: chr7-152248285-T-A. GRCh37 (hg19) VCF-style: chr7-151945370-T-A.
Other names: short protein forms I717L.
Identifiers: ClinVar variation 3372610 (VCV003372610.1).
Genomic context (GRCh38, chr7:152,248,285, plus strand): 5'-TCAATCCAGTAGAAAGTTCAGAATTTTCTTTCTGTTCCTTTTCTCCTTGTAGCCTTTCTA[T>A]AACCAACTGTTCCTCAGGACATAATGAAATACTTTCCTCATGTGGGGACACTAAGGTTTC-3'
Protein context (NP_733751.2, residues 707-727): ISLCPEEQLV[Ile717Leu]ERLQGEKEQK